The following is an entry in ClinVar:

ClinVar aggregate classification (germline): Benign (1 of 4 stars; one submission).

Submission:

GeneDx
Classification: Benign. Last evaluated: 2018-06-14. Review status: criteria provided, single submitter. Criteria: GeneDx Variant Classification (06012015). Collection method: clinical testing. Allele origin: germline. Affected: yes.
Comment: This variant is considered likely benign or benign based on one or more of the following criteria: it is a conservative change, it occurs at a poorly conserved position in the protein, it is predicted to be benign by multiple in silico algorithms, and/or has population frequency not consistent with disease.

NM_000088.4(COL1A1):c.643-36del

Gene: COL1A1 (collagen type I alpha 1 chain; minus strand). Cytogenetic location: 17q21.33.
Variant type: Deletion.
Coding change: c.643-36del on transcript NM_000088.4 (MANE Select); 36 bases into the intron before coding-DNA position 643, one base deleted (T; older notation c.643-36delT).
Molecular consequence: intron variant.
Genome position (GRCh38, 1-based): chr17:50,197,821, A deleted on the plus strand (T on the coding strand, the reverse complement: COL1A1 is on the minus strand); the first of 2 consecutive A bases (chr17:50,197,821-50,197,822); deleting either gives the same sequence. VCF-style (leftmost placement, unchanged base first): chr17-50197820-TA-T. GRCh37 (hg19) VCF-style: chr17-48275181-TA-T.
Identifiers: ClinVar variation 675132 (VCV000675132.1), dbSNP rs58135270, ClinGen allele CA8645607.